The following is an entry in ClinVar:

ClinVar aggregate classification (germline): Uncertain significance. Review status: criteria provided, multiple submitters, no conflicts (2 of 4 stars). 4 submissions from 4 submitters: Uncertain significance (3). 1 of the submissions does not count toward it. Last evaluated 2026-03-13.

Conditions:
RDH12-related disorder. Also called: RDH12-related disorders; RDH12-related condition.
Leber congenital amaurosis (LCA). Also called: Leber's amaurosis. Identifiers: Orphanet 65, MedGen C0339527, MeSH D057130, MONDO:0018998.
Leber congenital amaurosis 13 (LCA13). Identifiers: MedGen C2675186, MONDO:0012990, OMIM 612712.

Allele frequency attached by ClinVar (database versions not stated): ExAC 0.00002; gnomAD 0.00002 and 0.00003; gnomAD exomes 0.00001; TOPMed 0.00001.
gnomAD v4.1: 18 of 1,613,284 alleles (0.0011%); highest among the groups gnomAD compares: Middle Eastern, 0.082%; no homozygotes.

Submissions (4):

PreventionGenetics, part of Exact Sciences
Classification: Uncertain significance for RDH12-related condition. Last evaluated: 2026-03-13. Review status: criteria provided, single submitter. Criteria: ACMG Guidelines, 2015. Collection method: clinical testing. Allele origin: germline.
Comment: The RDH12 c.878G>C variant is predicted to result in the amino acid substitution p.Arg293Thr. To our knowledge, this variant has not been reported in the literature. This variant is reported in 0.0033% of alleles in individuals of South Asian descent in gnomAD. At this time, the clinical significance of this variant is uncertain due to the absence of conclusive functional and genetic evidence.

Labcorp Genetics (formerly Invitae), Labcorp
Classification: Uncertain significance for Leber congenital amaurosis 13. Last evaluated: 2022-07-24. Review status: criteria provided, single submitter. Criteria: Invitae Variant Classification Sherloc (09022015). Collection method: clinical testing. Allele origin: germline.
Comment: This sequence change replaces arginine, which is basic and polar, with threonine, which is neutral and polar, at codon 293 of the RDH12 protein (p.Arg293Thr). This variant is present in population databases (rs746131696, gnomAD 0.003%). This variant has not been reported in the literature in individuals affected with RDH12-related conditions. ClinVar contains an entry for this variant (Variation ID: 989726). Algorithms developed to predict the effect of missense changes on protein structure and function (SIFT, PolyPhen-2, Align-GVGD) all suggest that this variant is likely to be tolerated. In summary, the available evidence is currently insufficient to determine the role of this variant in disease. Therefore, it has been classified as a Variant of Uncertain Significance.

Fulgent Genetics
Classification: Uncertain significance for Leber congenital amaurosis 13. Last evaluated: 2022-02-09. Review status: criteria provided, single submitter. Criteria: ACMG Guidelines, 2015. Collection method: clinical testing. Allele origin: unknown.

Natera, Inc.
Classification: Uncertain significance for Leber congenital amaurosis. Last evaluated: 2020-04-17. Review status: no assertion criteria provided. Collection method: clinical testing. Allele origin: germline. Not counted in ClinVar's aggregate classification.

NM_152443.3(RDH12):c.878G>C (p.Arg293Thr)

Genes: GPHN (gephyrin; plus strand), RDH12 (retinol dehydrogenase 12; plus strand), ZFYVE26 (zinc finger FYVE-type containing 26; minus strand). Cytogenetic location: 14q24.1.
Variant type: single nucleotide variant.
Coding change: c.878G>C on transcript NM_152443.3 (MANE Select); coding-DNA position 878, G replaced by C.
Protein change: p.Arg293Thr; replaces arginine 293 with threonine.
Molecular consequence: missense variant.
Genome position (GRCh38, 1-based): chr14:67,733,775, G>C. VCF-style: chr14-67733775-G-C. GRCh37 (hg19) VCF-style: chr14-68200492-G-C.
Other names: c.878G>C (NM_152443.2); short protein forms R293T.
Identifiers: ClinVar variation 989726 (VCV000989726.5), dbSNP rs746131696, ClinGen allele CA7238875.
Genomic context (GRCh38, chr14:67,733,775, plus strand): 5'-CTGGAATTTACTGTCTTTCTCTGCCCTCCAGTGACTGCAAGAGGACCTGGGTGTCTCCAA[G>C]GGCCCGAAATAACAAAACAGCTGAGCGCCTATGGAATGTCAGCTGTGAGCTTCTAGGAAT-3'
Protein context (NP_689656.2, residues 283-303): SDCKRTWVSP[Arg293Thr]ARNNKTAERL